The following is an entry in ClinVar:

ClinVar aggregate classification (germline): Uncertain significance (1 of 4 stars; one submission).

gnomAD v4.1: 7 of 1,614,096 alleles (0.00043%); highest among the groups gnomAD compares: Non-Finnish European, 0.00051%; no homozygotes.

Submission:

Labcorp Genetics (formerly Invitae), Labcorp
Classification: Uncertain significance. Last evaluated: 2025-07-07. Review status: criteria provided, single submitter. Criteria: Invitae Variant Classification Sherloc (09022015). Collection method: clinical testing. Allele origin: germline.
Comment: This sequence change replaces leucine, which is neutral and non-polar, with serine, which is neutral and polar, at codon 640 of the MCM4 protein (p.Leu640Ser). This variant is present in population databases (rs373756616, gnomAD 0.0009%). This variant has not been reported in the literature in individuals affected with MCM4-related conditions. Invitae Evidence Modeling of protein sequence and biophysical properties (such as structural, functional, and spatial information, amino acid conservation, physicochemical variation, residue mobility, and thermodynamic stability) indicates that this missense variant is expected to disrupt MCM4 protein function with a positive predictive value of 80%. In summary, the available evidence is currently insufficient to determine the role of this variant in disease. Therefore, it has been classified as a Variant of Uncertain Significance.

NM_182746.3(MCM4):c.1919T>C (p.Leu640Ser)

Gene: MCM4 (minichromosome maintenance complex component 4; plus strand). Cytogenetic location: 8q11.21.
Variant type: single nucleotide variant.
Coding change: c.1919T>C on transcript NM_182746.3 (MANE Select); coding-DNA position 1919, T replaced by C.
Protein change: p.Leu640Ser; replaces leucine 640 with serine.
Molecular consequence: missense variant.
Genome position (GRCh38, 1-based): chr8:47,971,459, T>C. VCF-style: chr8-47971459-T-C. GRCh37 (hg19) VCF-style: chr8-48884019-T-C.
Other names: c.1919T>C, p.Leu640Ser (NM_005914.4); short protein forms L640S.
Identifiers: ClinVar variation 4760852 (VCV004760852.1).